The following is an entry in ClinVar:

ClinVar aggregate classification (germline): Uncertain significance (1 of 4 stars; one submission).

Conditions:
Joubert syndrome 23 (JBTS23). Identifiers: Orphanet 475, MedGen C4084822, MONDO:0014664, OMIM 616490.
Short-rib thoracic dysplasia 14 with polydactyly (SRTD14). Identifiers: Orphanet 397715, MedGen C4225286, MONDO:0014688, OMIM 616546.

Submission:

Labcorp Genetics (formerly Invitae), Labcorp
Classification: Uncertain significance for Joubert syndrome 23; Short-rib thoracic dysplasia 14 with polydactyly. Last evaluated: 2022-02-06. Review status: criteria provided, single submitter. Criteria: Invitae Variant Classification Sherloc (09022015). Collection method: clinical testing. Allele origin: germline.
Comment: This variant is not present in population databases (gnomAD no frequency). In summary, the available evidence is currently insufficient to determine the role of this variant in disease. Therefore, it has been classified as a Variant of Uncertain Significance. Algorithms developed to predict the effect of missense changes on protein structure and function are either unavailable or do not agree on the potential impact of this missense change (SIFT: "Deleterious"; PolyPhen-2: "Possibly Damaging"; Align-GVGD: "Class C0"). This variant has not been reported in the literature in individuals affected with KIAA0586-related conditions. This sequence change replaces glutamic acid, which is acidic and polar, with aspartic acid, which is acidic and polar, at codon 1153 of the KIAA0586 protein (p.Glu1153Asp).

NM_001329943.3(KIAA0586):c.3300A>T (p.Glu1100Asp)

Gene: KIAA0586 (KIAA0586; plus strand). Cytogenetic location: 14q23.1.
Variant type: single nucleotide variant.
Coding change: c.3300A>T on transcript NM_001329943.3 (MANE Select); coding-DNA position 3300, A replaced by T.
Protein change: p.Glu1100Asp; replaces glutamic acid 1100 with aspartic acid.
Molecular consequence: missense variant.
Genome position (GRCh38, 1-based): chr14:58,487,162, A>T. VCF-style: chr14-58487162-A-T. GRCh37 (hg19) VCF-style: chr14-58953880-A-T.
Other names: c.3459A>T, p.Glu1153Asp (NM_001244189.2); c.3255A>T, p.Glu1085Asp (NM_001244190.2); c.3045A>T, p.Glu1015Asp (NM_001244191.2, NM_001329945.2, NM_001364700.1 and 1 more transcripts); c.3168A>T, p.Glu1056Asp (NM_001244192.2); c.2880A>T, p.Glu960Asp (NM_001244193.2); c.3300A>T, p.Glu1100Asp (NM_001329944.2, NM_001329946.2, NM_001329947.2); c.3072A>T, p.Glu1024Asp (NM_014749.5); short protein forms E1024D, E1056D, E1100D, E1153D, E1015D, E1085D, E960D.
Identifiers: ClinVar variation 2093454 (VCV002093454.4), dbSNP rs2543646905, ClinGen allele CA389881119.
Genomic context (GRCh38, chr14:58,487,162, plus strand): 5'-TTCTTCTCCCTGTGATTCGGATCATGATATGGCTTTTCCTGTGAAAGAAATATGTGCTGA[A>T]AAAGGTAGAAACTTTATTTCTATAACTCGGTTTTAATTTTAGCAACTATTAAATTTCATG-3'
Protein context (NP_001316872.1, residues 1090-1110): MAFPVKEICA[Glu1100Asp]KGDDMPAIML